The following is an entry in ClinVar:

ClinVar aggregate classification (germline): Uncertain significance (1 of 4 stars; one submission).

Conditions:
Cardiovascular phenotype. Identifiers: MedGen CN230736.

Submission:

Molecular Diagnostic Laboratory for Inherited Cardiovascular Disease, Montreal Heart Institute
Classification: Uncertain significance for Cardiovascular phenotype. Last evaluated: 2025-04-09. Review status: criteria provided, single submitter. Criteria: ACMG Guidelines, 2015. Collection method: clinical testing. Allele origin: germline. Affected: yes.
Comment: PM2

NM_000093.5(COL5A1):c.781G>A (p.Glu261Lys)

Gene: COL5A1 (collagen type V alpha 1 chain; plus strand). Cytogenetic location: 9q34.3.
Variant type: single nucleotide variant.
Coding change: c.781G>A on transcript NM_000093.5 (MANE Select); coding-DNA position 781, G replaced by A.
Protein change: p.Glu261Lys; replaces glutamic acid 261 with lysine.
Molecular consequence: missense variant.
Genome position (GRCh38, 1-based): chr9:134,727,392, G>A. VCF-style: chr9-134727392-G-A. GRCh37 (hg19) VCF-style: chr9-137619238-G-A.
Other names: c.781G>A, p.Glu261Lys (NM_001278074.1); short protein forms E261K.
Identifiers: ClinVar variation 3895295 (VCV003895295.1), dbSNP rs1424194386.